The following is an entry in ClinVar:

NM_001165963.4(SCN1A):c.530G>A (p.Gly177Glu)

Gene: SCN1A (sodium voltage-gated channel alpha subunit 1; minus strand). Cytogenetic location: 2q24.3.
Variant type: single nucleotide variant.
Coding change: c.530G>A on transcript NM_001165963.4 (MANE Select); coding-DNA position 530, G replaced by A.
Protein change: p.Gly177Glu; replaces glycine 177 with glutamic acid.
Molecular consequence: missense variant. On other transcripts: 5 prime UTR variant (1), non-coding transcript variant (1).
Genome position (GRCh38, 1-based): chr2:166,054,710, C>T on the plus strand (G>A on the coding strand, the complement: SCN1A is on the minus strand). VCF-style: chr2-166054710-C-T. GRCh37 (hg19) VCF-style: chr2-166911220-C-T.
Other names: c.530G>A, p.Gly177Glu (NM_001165964.3, NM_001202435.3, NM_001353948.2 and 10 more transcripts); c.-1896G>A (NM_001353961.2); short protein forms G177E.
Identifiers: ClinVar variation 68658 (VCV000068658.12), dbSNP rs121918770, ClinGen allele CA285231.

ClinVar aggregate classification (germline): Pathogenic. Review status: criteria provided, single submitter (1 of 4 stars). 2 submissions from 2 submitters: Pathogenic (1). 1 of the submissions does not count toward it. Last evaluated 2022-09-27.

Conditions:
Early-infantile DEE. Also called: Early infantile epileptic encephalopathy; Early infantile epileptic encephalopathy with suppression bursts; Ohtahara syndrome. Identifiers: Orphanet 1934, MedGen C0393706, MONDO:0800491.
Severe myoclonic epilepsy in infancy (DRVT). Also called: SEVERE MYOCLONIC EPILEPSY OF INFANCY; DEVELOPMENTAL AND EPILEPTIC ENCEPHALOPATHY 6A; Severe Myoclonic Epilepsy in Infancy (SMEI); Dravet syndrome; Epileptic encephalopathy, early infantile, 6 (Dravet syndrome). Identifiers: Orphanet 33069, MedGen C0751122, MONDO:0100135, OMIM 607208.

Submissions (3):

Labcorp Genetics (formerly Invitae), Labcorp
Classification: Pathogenic for Early-infantile DEE. Last evaluated: 2022-09-27. Review status: criteria provided, single submitter. Criteria: Invitae Variant Classification Sherloc (09022015). Collection method: clinical testing. Allele origin: germline.
Comment: For these reasons, this variant has been classified as Pathogenic. Experimental studies have shown that this missense change affects SCN1A function (PMID: 17054685). Advanced modeling of protein sequence and biophysical properties (such as structural, functional, and spatial information, amino acid conservation, physicochemical variation, residue mobility, and thermodynamic stability) performed at Invitae indicates that this missense variant is expected to disrupt SCN1A protein function. ClinVar contains an entry for this variant (Variation ID: 68658). This missense change has been observed in individual(s) with severe myoclonic epilepsy of infancy or Dravet syndrome (PMID: 12821740, 27236449). In at least one individual the variant was observed to be de novo. This variant is not present in population databases (gnomAD no frequency). This sequence change replaces glycine, which is neutral and non-polar, with glutamic acid, which is acidic and polar, at codon 177 of the SCN1A protein (p.Gly177Glu).

Channelopathy-Associated Epilepsy Research Center
No classification provided (evidence only). Condition: Severe myoclonic epilepsy in infancy. Review status: no classification provided. Collection method: literature only. Allele origin: not applicable. Functional consequence: Absence of peak current. Not counted in ClinVar's aggregate classification.
ClinVar note: "not provided" was previously submitted as the classification for the variant. However, the classification appeared to be based only on an observation of functional data so it was converted to no classification on 2025-07-30.

UniProtKB/Swiss-Prot
No classification provided. Condition: Severe myoclonic epilepsy in infancy. Review status: no classification provided. Collection method: not provided. Allele origin: not provided. Not counted in ClinVar's aggregate classification.

Literature cited by the submitters: PubMed 17054685 (cited by Labcorp Genetics (formerly Invitae), Labcorp and Channelopathy-Associated Epilepsy Research Center); PubMed 12821740 (cited by Labcorp Genetics (formerly Invitae), Labcorp); PubMed 27236449 (cited by Labcorp Genetics (formerly Invitae), Labcorp).